The following is an entry in ClinVar:

NM_000138.5(FBN1):c.203G>T (p.Cys68Phe)

Gene: FBN1 (fibrillin 1; minus strand). Cytogenetic location: 15q21.1.
Variant type: single nucleotide variant.
Coding change: c.203G>T on transcript NM_000138.5 (MANE Select); coding-DNA position 203, G replaced by T.
Protein change: p.Cys68Phe; replaces cysteine 68 with phenylalanine.
Molecular consequence: missense variant.
Genome position (GRCh38, 1-based): chr15:48,613,054, C>A on the plus strand (G>T on the coding strand, the complement: FBN1 is on the minus strand). VCF-style: chr15-48613054-C-A. GRCh37 (hg19) VCF-style: chr15-48905251-C-A.
Other names: short protein forms C68F.
Identifiers: ClinVar variation 841878 (VCV000841878.9), dbSNP rs1597633163, ClinGen allele CA392448429.

ClinVar aggregate classification (germline): Pathogenic (1 of 4 stars; one submission).

Conditions:
Familial thoracic aortic aneurysm and aortic dissection (TAAD). Also called: Thoracic aortic aneurysms and dissections. Identifiers: Orphanet 91387, MedGen C4707243, MONDO:0019625.
Marfan syndrome (MFS). Also called: FBN1-Related Marfan Syndrome; Marfan's syndrome; MARFAN SYNDROME, TYPE I; Marfan syndrome type 1; Marfan syndrome, classic. Identifiers: Orphanet 284963, Orphanet 558, MedGen C0024796, MONDO:0007947, OMIM 154700.

Submission:

Labcorp Genetics (formerly Invitae), Labcorp
Classification: Pathogenic for Marfan syndrome; Familial thoracic aortic aneurysm and aortic dissection. Last evaluated: 2025-09-08. Review status: criteria provided, single submitter. Criteria: Invitae Variant Classification Sherloc (09022015). Collection method: clinical testing. Allele origin: germline.
Comment: This sequence change replaces cysteine, which is neutral and slightly polar, with phenylalanine, which is neutral and non-polar, at codon 68 of the FBN1 protein (p.Cys68Phe). This variant is not present in population databases (gnomAD no frequency). This missense change has been observed in individual(s) with clinical features of Marfan syndrome (PMID: 17679947). ClinVar contains an entry for this variant (Variation ID: 841878). Invitae Evidence Modeling of protein sequence and biophysical properties (such as structural, functional, and spatial information, amino acid conservation, physicochemical variation, residue mobility, and thermodynamic stability) indicates that this missense variant is expected to disrupt FBN1 protein function with a positive predictive value of 95%. This variant affects a cysteine residue in the EGF-like, TGFBP or hybrid motif domains of FBN1. Cysteine residues are believed to be involved in intramolecular disulfide bridges and have been shown to be important for FBN1 protein structure (PMID: 16905551, 19349279). In addition, missense substitutions affecting cysteine residues within these domains are significantly overrepresented among patients with Marfan syndrome (PMID: 16571647, 17701892). This variant disrupts the p.Cys68 amino acid residue in FBN1. Other variant(s) that disrupt this residue have been observed in individuals with FBN1-related conditions (PMID: 17657824, 19293843; internal data), which suggests that this may be a clinically significant amino acid residue. For these reasons, this variant has been classified as Pathogenic.

Literature cited by the submitters: PubMed 17679947; PubMed 16905551; PubMed 19349279; PubMed 16571647; PubMed 17701892; PubMed 17657824; PubMed 19293843.